The following is an entry in ClinVar:

NM_014795.4(ZEB2):c.2578_2579dup (p.Leu860_Asn861insTer)

Gene: ZEB2 (zinc finger E-box binding homeobox 2; minus strand). Cytogenetic location: 2q22.3.
Variant type: Microsatellite.
Coding change: c.2578_2579dup on transcript NM_014795.4 (MANE Select); coding-DNA positions 2578 to 2579, 2 bases duplicated (CT; older notation c.2578_2579dupCT).
Protein change: p.Leu860_Asn861insTer.
Molecular consequence: frameshift variant.
Genome position (GRCh38, 1-based): chr2:144,398,608-144,398,609, AG duplicated on the plus strand (CT on the coding strand, the reverse complement: ZEB2 is on the minus strand); duplicating any 2 consecutive bases within chr2:144,398,608-144,398,611 gives the same sequence; the c. name uses the placement nearest the transcript's 3' end. VCF-style (leftmost placement, unchanged base first): chr2-144398607-C-CAG. GRCh37 (hg19) VCF-style: chr2-145156174-C-CAG.
Other names: c.2506_2507dup, p.Leu836_Asn837insTer (NM_001171653.2).
Identifiers: ClinVar variation 817570 (VCV000817570.1), dbSNP rs1573715510, ClinGen allele CA915942796.

ClinVar aggregate classification (germline): Pathogenic (1 of 4 stars; one submission).

Submission:

GeneDx
Classification: Pathogenic. Last evaluated: 2018-12-05. Review status: criteria provided, single submitter. Criteria: GeneDx Variant Classification (06012015). Collection method: clinical testing. Allele origin: germline. Affected: yes.
Comment: The c.2578_2579dupCT pathogenic variant in the ZEB2 gene causes a frameshift starting with codon Asparagine 861 and changes this amino acid to a premature Stop codon, denoted p.Asn861Ter. This pathogenic variant is predicted to cause loss of normal protein function either through protein truncation or nonsense-mediated mRNA decay. The c.2578_2579dupCT variant is not observed in large population cohorts (Lek et al., 2016).